The following is an entry in ClinVar:

NM_002272.4(KRT4):c.364C>G (p.Leu122Val)

Gene: KRT4 (keratin 4; minus strand). Cytogenetic location: 12q13.13.
Variant type: single nucleotide variant.
Coding change: c.364C>G on transcript NM_002272.4 (MANE Select); coding-DNA position 364, C replaced by G.
Protein change: p.Leu122Val; replaces leucine 122 with valine.
Molecular consequence: missense variant.
Genome position (GRCh38, 1-based): chr12:52,813,695, G>C on the plus strand (C>G on the coding strand, the complement: KRT4 is on the minus strand). VCF-style: chr12-52813695-G-C. GRCh37 (hg19) VCF-style: chr12-53207479-G-C.
Other names: short protein forms L122V.
Identifiers: ClinVar variation 309702 (VCV000309702.8), dbSNP rs758695571, ClinGen allele CA6588759.

ClinVar aggregate classification (germline): Uncertain significance. Review status: criteria provided, single submitter (1 of 4 stars). 2 submissions from 2 submitters: Uncertain significance (1). 1 of the submissions does not count toward it. Last evaluated 2023-03-17.

Conditions:
Inborn genetic diseases. Identifiers: MedGen C0950123, MeSH D030342.
White sponge nevus 1. Also called: LEUKOKERATOSIS, HEREDITARY MUCOSAL. Identifiers: MedGen C4011926, MONDO:0008676, OMIM 193900.

Allele frequency attached by ClinVar (database versions not stated): TOPMed 0.00005; gnomAD 0.00007 and 0.00010; ExAC 0.00009.

Submissions (2):

Ambry Genetics
Classification: Uncertain significance for Inborn genetic diseases. Last evaluated: 2023-03-17. Review status: criteria provided, single submitter. Criteria: Ambry Variant Classification Scheme 2023. Collection method: clinical testing. Allele origin: germline.

Department of Pathology and Laboratory Medicine, Sinai Health System
Classification: Likely benign for White sponge nevus 1. Review status: no assertion criteria provided. Collection method: clinical testing. Allele origin: unknown. Affected: yes. Study: The Canadian Open Genetics Repository (COGR). Not counted in ClinVar's aggregate classification.
Comment: The KRT4 p.L122V variant was not identified in the literature but was identified in dbSNP (ID: rs758695571) and ClinVar (classified as uncertain significance by Illumina). The variant was identified in control databases in 40 of 279118 chromosomes at a frequency of 0.0001433, and was observed at the highest frequency in the East Asian population in 39 of 19780 chromosomes (freq: 0.001972) (Genome Aggregation Database March 6, 2019, v2.1.1). The p.L122 residue is conserved in mammals and computational analyses (PolyPhen-2, SIFT, MutationTaster, Revel, FATHMM, MetaLR, DANN) suggest that the variant may impact the protein; however this information is not predictive enough to assume pathogenicity. The variant occurs outside of the splicing consensus sequence and in silico or computational prediction software programs (Splice AI exome, Splice AI genome) do not predict a difference in splicing. In summary, based on the above information the clinical significance of this variant cannot be determined with certainty at this time although we would lean towards a more benign role for this variant. This variant is classified as likely benign.